The following is an entry in ClinVar:

NM_001375524.1(TRRAP):c.2513C>T (p.Ser838Phe)

Gene: TRRAP (transformation/transcription domain associated protein; plus strand). Cytogenetic location: 7q22.1.
Variant type: single nucleotide variant.
Coding change: c.2513C>T on transcript NM_001375524.1 (MANE Select); coding-DNA position 2513, C replaced by T.
Protein change: p.Ser838Phe; replaces serine 838 with phenylalanine.
Molecular consequence: missense variant.
Genome position (GRCh38, 1-based): chr7:98,917,570, C>T. VCF-style: chr7-98917570-C-T. GRCh37 (hg19) VCF-style: chr7-98515193-C-T.
Other names: c.2513C>T, p.Ser838Phe (NM_001244580.2, NM_003496.4); short protein forms S838F.
Identifiers: ClinVar variation 3901742 (VCV003901742.2).

ClinVar aggregate classification (germline): Uncertain significance (1 of 4 stars; one submission).

gnomAD v4.1: 2 of 1,614,092 alleles (0.00012%); highest among the groups gnomAD compares: African/African-American, 0.0027%; no homozygotes.

Submission:

GeneDx
Classification: Uncertain significance. Last evaluated: 2025-11-13. Review status: criteria provided, single submitter. Criteria: GeneDx Variant Classification Process June 2021. Collection method: clinical testing. Allele origin: germline. Affected: yes.
Comment: Not observed at significant frequency in large population cohorts (gnomAD); In silico analysis supports that this missense variant has a deleterious effect on protein structure/function; Has not been previously published as pathogenic or benign to our knowledge